The following is an entry in ClinVar:

ClinVar aggregate classification (germline): Likely benign. Review status: criteria provided, multiple submitters, no conflicts (2 of 4 stars). 2 submissions from 2 submitters: Likely benign (2). Last evaluated 2025-10-14.

Conditions:
Hypertrophic cardiomyopathy 9. Also called: Familial hypertrophic cardiomyopathy 9. Identifiers: MedGen C1861065, MONDO:0013412, OMIM 613765.
Dilated cardiomyopathy 1G (CMD1G). Identifiers: Orphanet 154, MedGen C1858763, MONDO:0011400, OMIM 604145.
Autosomal recessive limb-girdle muscular dystrophy type 2J (LGMDR10). Also called: Limb-girdle muscular dystrophy, type 2J; MUSCULAR DYSTROPHY, LIMB-GIRDLE, AUTOSOMAL RECESSIVE 10. Identifiers: Orphanet 140922, MedGen C1837342, MONDO:0012127, OMIM 608807.

Allele frequency attached by ClinVar (database versions not stated): gnomAD 0.00001; gnomAD exomes 0.00001; TOPMed 0.00001.
gnomAD v4.1: 9 of 1,605,276 alleles (0.00056%); highest among the groups gnomAD compares: African/African-American, 0.0053%; no homozygotes.

Submissions (2):

Labcorp Genetics (formerly Invitae), Labcorp
Classification: Likely benign for Dilated cardiomyopathy 1G; Autosomal recessive limb-girdle muscular dystrophy type 2J. Last evaluated: 2025-10-14. Review status: criteria provided, single submitter. Criteria: Invitae Variant Classification Sherloc (09022015). Collection method: clinical testing. Allele origin: germline.

Victorian Clinical Genetics Services, Murdoch Childrens Research Institute
Classification: Likely benign for Hypertrophic cardiomyopathy 9. Last evaluated: 2022-02-02. Review status: criteria provided, single submitter. Criteria: ACMG Guidelines, 2015. Collection method: clinical testing. Allele origin: germline. Inheritance: Autosomal dominant inheritance.
Comment: Based on the classification scheme VCGS_Germline_v1.3.4, this variant is classified as Likely benign. Following criteria are met: 0102 - Loss of function is a known mechanism of disease in this gene. In addition, dominant-negative is also a suggested mechanism. (PMID: 25589632). (I) 0108 - This gene is associated with both recessive and dominant disease (OMIM). (I) 0112 - The condition associated with this gene has incomplete penetrance. Variants in this gene that result in a premature truncating codon (PTC) are known to have reduced penetrance in DCM (PMID: 25589632). (I) 0212 - Non-canonical splice site variant without proven consequence on splicing (no functional evidence available). This is a synonymous variant located in a intron-exon junction with no studies to show a splice defect. (I) 0219 - This variant is non-coding in an alternative transcript. It is coding exclusively in the meta-transcript. (I) 0251 - This variant is heterozygous. (I) 0302 - Variant is present in gnomAD (v2) <0.001 for a dominant condition (4 heterozygotes, 0 homozygotes). (SP) 0506 - Abnormal splicing is not predicted and nucleotide is poorly conserved. (SB) 0604 - Variant is not located in an established domain, motif, hotspot or informative constraint region. (I) 0705 - No comparable variants have previous evidence for pathogenicity. (I) 0806 - This variant has moderate previous evidence of being benign in unrelated individuals (ClinVar). (I) 0905 - No published segregation evidence has been identified for this variant. (I) 1007 - No published functional evidence has been identified for this variant. (I) 1208 - Inheritance information for this variant is not currently available in this individual. (I) Legend: (SP) - Supporting pathogenic, (I) - Information, (SB) - Supporting benign

Literature cited by the submitters: PubMed 25589632 (cited by Victorian Clinical Genetics Services, Murdoch Childrens Research Institute).

NM_001267550.2(TTN):c.36045G>A (p.Thr12015=)

Gene: TTN (titin; minus strand). Cytogenetic location: 2q31.2.
Variant type: single nucleotide variant.
Coding change: c.36045G>A on transcript NM_001267550.2 (MANE Select); coding-DNA position 36045, G replaced by A.
Protein change: p.Thr12015=; no amino-acid change (threonine 12015 retained).
Molecular consequence: synonymous variant. On other transcripts: intron variant (5).
Genome position (GRCh38, 1-based): chr2:178,664,925, C>T on the plus strand (G>A on the coding strand, the complement: TTN is on the minus strand). VCF-style: chr2-178664925-C-T. GRCh37 (hg19) VCF-style: chr2-179529652-C-T.
Other names: c.13283-22608G>A (NM_003319.4); c.13859-22608G>A (NM_133437.4); c.13658-22608G>A (NM_133432.3); c.31484-1870G>A (NM_133378.4); c.34265-1870G>A (NM_001256850.1); c.36045G>A (NM_001267550.1).
Identifiers: ClinVar variation 703059 (VCV000703059.14), dbSNP rs1209026573, ClinGen allele CA430120359.
Genomic context (GRCh38, chr2:178,664,925, plus strand): 5'-GGGTTCTCTTTTTTTGGAAGGAACTGTCTTGGCAGGAATAATTTCTTGAGGAGCTTCGGG[C>T]GCTTGAAAGATATTAGCAATTCACATTTAAGAGTTAAAATGATTAATGGAAAACAGTAAC-3'
Protein context (NP_001254479.2, residues 12005-12025): PEEPETPRMK[Thr12015=]PEAPQEIIPA